The following is an entry in ClinVar:

NM_000038.6(APC):c.1139G>C (p.Arg380Pro)

Gene: APC (APC regulator of Wnt signaling pathway; plus strand). Cytogenetic location: 5q22.2.
Variant type: single nucleotide variant.
Coding change: c.1139G>C on transcript NM_000038.6 (MANE Select); coding-DNA position 1139, G replaced by C.
Protein change: p.Arg380Pro; replaces arginine 380 with proline.
Molecular consequence: missense variant. On other transcripts: intron variant (4).
Genome position (GRCh38, 1-based): chr5:112,819,171, G>C. VCF-style: chr5-112819171-G-C. GRCh37 (hg19) VCF-style: chr5-112154868-G-C.
Other names: c.1139G>C, p.Arg380Pro (NM_001127510.3, NM_001354895.2, NM_001354896.2); c.1085G>C, p.Arg362Pro (NM_001127511.3); c.1169G>C, p.Arg390Pro (NM_001354897.2); c.1064G>C, p.Arg355Pro (NM_001354898.2); c.1055G>C, p.Arg352Pro (NM_001354899.2); c.962G>C, p.Arg321Pro (NM_001354900.2, NM_001354901.2); c.290G>C, p.Arg97Pro (NM_001354906.2); c.964-98G>C (NM_001354902.2); and 3 more; short protein forms R362P, R380P, R352P, R97P, R321P, R355P, R390P.
Identifiers: ClinVar variation 489410 (VCV000489410.14), dbSNP rs587782886, ClinGen allele CA16023802.

ClinVar aggregate classification (germline): Uncertain significance. Review status: criteria provided, multiple submitters, no conflicts (2 of 4 stars). 3 submissions from 3 submitters: Uncertain significance (3). Last evaluated 2026-07-13.

Conditions:
Hereditary cancer-predisposing syndrome. Also called: Neoplastic Syndromes, Hereditary; Hereditary neoplastic syndrome; Hereditary Cancer Syndrome; Tumor predisposition. Identifiers: Orphanet 140162, MedGen C0027672, MeSH D009386, MONDO:0015356.
Familial adenomatous polyposis 1 (FAP1). Also called: POLYPOSIS, ADENOMATOUS INTESTINAL; FAMILIAL ADENOMATOUS POLYPOSIS 1, ATTENUATED. Identifiers: MedGen C2713442, MONDO:0021056, OMIM 175100. Disease mechanism: loss of function.

gnomAD v4.1: 1 of 1,613,944 alleles (0.000062%); highest among the groups gnomAD compares: Non-Finnish European, 0.000085%; no homozygotes.

Submissions (3):

Ambry Genetics
Classification: Uncertain significance for Hereditary cancer-predisposing syndrome. Last evaluated: 2026-07-13. Review status: criteria provided, single submitter. Criteria: Ambry Variant Classification Scheme 2023. Collection method: clinical testing. Allele origin: germline.
Comment: The p.R380P variant (also known as c.1139G>C), located in coding exon 9 of the APC gene, results from a G to C substitution at nucleotide position 1139. The arginine at codon 380 is replaced by proline, an amino acid with dissimilar properties. This amino acid position is highly conserved in available vertebrate species. In addition, in silico predictors for this gene do not accurately predict pathogenicity. Missense variants in APC are not a common cause of disease (Spier I et al. Genet Med. 2024 Feb;26(2):100992). Based on the available evidence, the clinical significance of this variant remains unclear.

Labcorp Genetics (formerly Invitae), Labcorp
Classification: Uncertain significance for Familial adenomatous polyposis 1. Last evaluated: 2025-02-15. Review status: criteria provided, single submitter. Criteria: Invitae Variant Classification Sherloc (09022015). Collection method: clinical testing. Allele origin: germline.
Comment: This sequence change replaces arginine, which is basic and polar, with proline, which is neutral and non-polar, at codon 380 of the APC protein (p.Arg380Pro). This variant is not present in population databases (gnomAD no frequency). This variant has not been reported in the literature in individuals affected with APC-related conditions. ClinVar contains an entry for this variant (Variation ID: 489410). Invitae Evidence Modeling of protein sequence and biophysical properties (such as structural, functional, and spatial information, amino acid conservation, physicochemical variation, residue mobility, and thermodynamic stability) indicates that this missense variant is not expected to disrupt APC protein function with a negative predictive value of 95%. In summary, the available evidence is currently insufficient to determine the role of this variant in disease. Therefore, it has been classified as a Variant of Uncertain Significance.

Color Diagnostics, LLC DBA Color Health
Classification: Uncertain significance for Hereditary cancer-predisposing syndrome. Last evaluated: 2020-01-28. Review status: criteria provided, single submitter. Criteria: ACMG Guidelines, 2015. Collection method: clinical testing. Allele origin: germline.
Comment: This missense variant replaces arginine with proline at codon 380 of the APC protein. Computational prediction is inconclusive regarding the impact of this variant on protein structure and function (internally defined REVEL score threshold 0.5 < inconclusive < 0.7, PMID: 27666373). Splice site prediction tools suggest that this variant may not impact RNA splicing. To our knowledge, functional studies have not been performed for this variant. This variant has not been reported in individuals affected with hereditary cancer in the literature. This variant has not been identified in the general population by the Genome Aggregation Database (gnomAD). The available evidence is insufficient to determine the role of this variant in disease conclusively. Therefore, this variant is classified as a Variant of Uncertain Significance.